The following is an entry in ClinVar:

ClinVar aggregate classification (germline): Likely pathogenic (1 of 4 stars; one submission).

Conditions:
Autosomal recessive limb-girdle muscular dystrophy type 2J (LGMDR10). Also called: Limb-girdle muscular dystrophy, type 2J; MUSCULAR DYSTROPHY, LIMB-GIRDLE, AUTOSOMAL RECESSIVE 10. Identifiers: Orphanet 140922, MedGen C1837342, MONDO:0012127, OMIM 608807.
Dilated cardiomyopathy 1G (CMD1G). Identifiers: Orphanet 154, MedGen C1858763, MONDO:0011400, OMIM 604145.

Submission:

Labcorp Genetics (formerly Invitae), Labcorp
Classification: Likely pathogenic for Dilated cardiomyopathy 1G; Autosomal recessive limb-girdle muscular dystrophy type 2J. Last evaluated: 2019-06-11. Review status: criteria provided, single submitter. Criteria: Invitae Variant Classification Sherloc (09022015). Collection method: clinical testing. Allele origin: germline.
Comment: In summary, the currently available evidence indicates that the variant is pathogenic, but additional data are needed to prove that conclusively. Therefore, this variant has been classified as Likely Pathogenic. This variant is found in the A-band of this gene. While this particular variant has not been reported in the literature, truncating variants in the A-band of TTN are significantly overrepresented in patients with dilated cardiomyopathy and are considered to be likely pathogenic for the disease (PMID: 25589632). This variant has been observed to segregate with Takotsubo Cardiomyopathy in a family (Invitae). This variant is not present in population databases (ExAC no frequency). This sequence change results in a premature translational stop signal in the TTN gene (p.Pro31912Hisfs*31). While this is not anticipated to result in nonsense mediated decay, it is expected to disrupt the last 4,080 amino acids of the TTN protein.

Literature cited by the submitters: PubMed 25589632.

NM_001267550.2(TTN):c.95735del (p.Pro31912fs)

Genes: TTN (titin; minus strand), TTN-AS1 (TTN antisense RNA 1; plus strand). Cytogenetic location: 2q31.2.
Variant type: Deletion.
Coding change: c.95735del on transcript NM_001267550.2 (MANE Select); coding-DNA position 95735, one base deleted (C; older notation c.95735delC).
Protein change: p.Pro31912fs; shifts the reading frame from proline 31912.
Molecular consequence: frameshift variant.
Genome position (GRCh38, 1-based): chr2:178,544,494, G deleted on the plus strand (C on the coding strand, the reverse complement: TTN is on the minus strand); the first of 2 consecutive G bases (chr2:178,544,494-178,544,495); deleting either gives the same sequence. VCF-style (leftmost placement, unchanged base first): chr2-178544493-TG-T. GRCh37 (hg19) VCF-style: chr2-179409220-TG-T.
Other names: c.90812del, p.Pro30271fs (NM_001256850.1); c.68540del, p.Pro22847fs (NM_003319.4); c.88031del, p.Pro29344fs (NM_133378.4); c.68915del, p.Pro22972fs (NM_133432.3); c.69116del, p.Pro23039fs (NM_133437.4); c.95735delC (NM_001267550.2); short protein forms P29344fs, P30271fs, P31912fs, P22847fs, P22972fs, P23039fs.
Identifiers: ClinVar variation 466672 (VCV000466672.12), dbSNP rs1553519454, ClinGen allele CA658657133.